The following is an entry in ClinVar:

NM_001363118.2(SLC52A2):c.224A>G (p.Lys75Arg)

Gene: SLC52A2 (solute carrier family 52 member 2; plus strand). Cytogenetic location: 8q24.3.
Variant type: single nucleotide variant.
Coding change: c.224A>G on transcript NM_001363118.2 (MANE Select); coding-DNA position 224, A replaced by G.
Protein change: p.Lys75Arg; replaces lysine 75 with arginine.
Molecular consequence: missense variant. On other transcripts: non-coding transcript variant (1), intron variant (1).
Genome position (GRCh38, 1-based): chr8:144,359,716, A>G. VCF-style: chr8-144359716-A-G. GRCh37 (hg19) VCF-style: chr8-145583376-A-G.
Other names: c.224A>G, p.Lys75Arg (NM_001253815.2, NM_001253816.2, NM_001363120.2 and 2 more transcripts); c.130+293A>G (NM_001363122.2); short protein forms K75R.
Identifiers: ClinVar variation 1520932 (VCV001520932.5), dbSNP rs1170458731, ClinGen allele CA372626506.

ClinVar aggregate classification (germline): Uncertain significance (1 of 4 stars; one submission).

Conditions:
Brown-Vialetto-van Laere syndrome 2. Also called: Riboflavin transporter deficiency type 2; SPINOCEREBELLAR ATAXIA WITH BLINDNESS AND DEAFNESS 2. Identifiers: Orphanet 572543, Orphanet 97229, MedGen C3553538, MONDO:0013867, OMIM 614707.

Allele frequency attached by ClinVar (database versions not stated): gnomAD exomes 0.00001 and below 0.00001; TOPMed below 0.00001; gnomAD 0.00001.
gnomAD v4.1: 8 of 1,613,438 alleles (0.0005%); highest among the groups gnomAD compares: South Asian, 0.0055%; no homozygotes.

Submission:

Labcorp Genetics (formerly Invitae), Labcorp
Classification: Uncertain significance for Brown-Vialetto-van Laere syndrome 2. Last evaluated: 2022-03-08. Review status: criteria provided, single submitter. Criteria: Invitae Variant Classification Sherloc (09022015). Collection method: clinical testing. Allele origin: germline.
Comment: This variant has not been reported in the literature in individuals affected with SLC52A2-related conditions. In summary, the available evidence is currently insufficient to determine the role of this variant in disease. Therefore, it has been classified as a Variant of Uncertain Significance. Advanced modeling of protein sequence and biophysical properties (such as structural, functional, and spatial information, amino acid conservation, physicochemical variation, residue mobility, and thermodynamic stability) performed at Invitae indicates that this missense variant is not expected to disrupt SLC52A2 protein function. This variant is present in population databases (no rsID available, gnomAD 0.003%). This sequence change replaces lysine, which is basic and polar, with arginine, which is basic and polar, at codon 75 of the SLC52A2 protein (p.Lys75Arg).